The following is an entry in ClinVar:

ClinVar aggregate classification (germline): Uncertain significance (0 of 4 stars; one submission).

Conditions:
KCNN4-related disorder. Also called: KCNN4-related condition.

Allele frequency attached by ClinVar (database versions not stated): TOPMed 0.00001.
gnomAD v4.1: 1 of 1,614,146 alleles (0.000062%); no homozygotes.

Submission:

PreventionGenetics, part of Exact Sciences
Classification: Uncertain significance for KCNN4-related condition. Last evaluated: 2024-01-10. Review status: no assertion criteria provided. Collection method: clinical testing. Allele origin: germline.
Comment: The KCNN4 c.1159A>C variant is predicted to result in the amino acid substitution p.Ser387Arg. To our knowledge, this variant has not been reported in the literature or in a large population database, indicating this variant is rare. At this time, the clinical significance of this variant is uncertain due to the absence of conclusive functional and genetic evidence.

NM_002250.3(KCNN4):c.1159A>C (p.Ser387Arg)

Gene: KCNN4 (potassium calcium-activated channel subfamily N member 4; minus strand). Cytogenetic location: 19q13.31.
Variant type: single nucleotide variant.
Coding change: c.1159A>C on transcript NM_002250.3 (MANE Select); coding-DNA position 1159, A replaced by C.
Protein change: p.Ser387Arg; replaces serine 387 with arginine.
Molecular consequence: missense variant.
Genome position (GRCh38, 1-based): chr19:43,767,668, T>G on the plus strand (A>C on the coding strand, the complement: KCNN4 is on the minus strand). VCF-style: chr19-43767668-T-G. GRCh37 (hg19) VCF-style: chr19-44271820-T-G.
Other names: short protein forms S387R.
Identifiers: ClinVar variation 3051935 (VCV003051935.2), dbSNP rs1466617448, ClinGen allele CA406194067.